The following is an entry in ClinVar:

NM_006063.3(KLHL41):c.1081G>T (p.Asp361Tyr)

Gene: KLHL41 (kelch like family member 41; plus strand). Cytogenetic location: 2q31.1.
Variant type: single nucleotide variant.
Coding change: c.1081G>T on transcript NM_006063.3 (MANE Select); coding-DNA position 1081, G replaced by T.
Protein change: p.Asp361Tyr; replaces aspartic acid 361 with tyrosine.
Molecular consequence: missense variant.
Genome position (GRCh38, 1-based): chr2:169,510,859, G>T. VCF-style: chr2-169510859-G-T. GRCh37 (hg19) VCF-style: chr2-170367369-G-T.
Other names: short protein forms D361Y.
Identifiers: ClinVar variation 1925179 (VCV001925179.5), dbSNP rs150768955, ClinGen allele CA349177914.

ClinVar aggregate classification (germline): Uncertain significance (1 of 4 stars; one submission).

Conditions:
Nemaline myopathy 9 (NEM9). Identifiers: MedGen C3810384, MONDO:0014326, OMIM 615731.

Submission:

Labcorp Genetics (formerly Invitae), Labcorp
Classification: Uncertain significance for Nemaline myopathy 9. Last evaluated: 2021-12-29. Review status: criteria provided, single submitter. Criteria: Invitae Variant Classification Sherloc (09022015). Collection method: clinical testing. Allele origin: germline.
Comment: This sequence change replaces aspartic acid, which is acidic and polar, with tyrosine, which is neutral and polar, at codon 361 of the KLHL41 protein (p.Asp361Tyr). This variant is not present in population databases (gnomAD no frequency). In summary, the available evidence is currently insufficient to determine the role of this variant in disease. Therefore, it has been classified as a Variant of Uncertain Significance. Algorithms developed to predict the effect of missense changes on protein structure and function (SIFT, PolyPhen-2, Align-GVGD) all suggest that this variant is likely to be disruptive. This variant has not been reported in the literature in individuals affected with KLHL41-related conditions.